The following is an entry in ClinVar:

NM_004655.4(AXIN2):c.988A>G (p.Lys330Glu)

Gene: AXIN2 (axin 2; minus strand). Cytogenetic location: 17q24.1.
Variant type: single nucleotide variant.
Coding change: c.988A>G on transcript NM_004655.4 (MANE Select); coding-DNA position 988, A replaced by G.
Protein change: p.Lys330Glu; replaces lysine 330 with glutamic acid.
Molecular consequence: missense variant.
Genome position (GRCh38, 1-based): chr17:65,541,526, T>C on the plus strand (A>G on the coding strand, the complement: AXIN2 is on the minus strand). VCF-style: chr17-65541526-T-C. GRCh37 (hg19) VCF-style: chr17-63537644-T-C.
Other names: c.988A>G (LRG_296t1); c.988A>G, p.Lys330Glu (NM_001363813.1); short protein forms K330E.
Identifiers: ClinVar variation 533229 (VCV000533229.12), dbSNP rs766607261, ClinGen allele CA8718904.

ClinVar aggregate classification (germline): Uncertain significance. Review status: criteria provided, multiple submitters, no conflicts (2 of 4 stars). 2 submissions from 2 submitters: Uncertain significance (2). Last evaluated 2025-12-09.

Conditions:
Oligodontia-cancer predisposition syndrome. Also called: TOOTH AGENESIS-COLORECTAL CANCER SYNDROME. Identifiers: Orphanet 300576, MedGen C1837750, MONDO:0012075, OMIM 608615. Disease mechanism: loss of function.
Hereditary cancer-predisposing syndrome. Also called: Hereditary neoplastic syndrome; Neoplastic Syndromes, Hereditary; Tumor predisposition; Hereditary Cancer Syndrome. Identifiers: Orphanet 140162, MedGen C0027672, MeSH D009386, MONDO:0015356.

Allele frequency attached by ClinVar (database versions not stated): gnomAD exomes below 0.00001 and 0.00001; TOPMed below 0.00001; ExAC 0.00001.
gnomAD v4.1: 8 of 1,614,182 alleles (0.0005%); highest among the groups gnomAD compares: Middle Eastern, 0.016%; no homozygotes.

Submissions (2):

Ambry Genetics
Classification: Uncertain significance for Hereditary cancer-predisposing syndrome. Last evaluated: 2025-12-09. Review status: criteria provided, single submitter. Criteria: Ambry Variant Classification Scheme 2023. Collection method: clinical testing. Allele origin: germline.
Comment: The p.K330E variant (also known as c.988A>G), located in coding exon 3 of the AXIN2 gene, results from an A to G substitution at nucleotide position 988. The lysine at codon 330 is replaced by glutamic acid, an amino acid with similar properties. This amino acid position is highly conserved in available vertebrate species. In addition, the in silico prediction for this alteration is inconclusive. Since supporting evidence is limited at this time, the clinical significance of this alteration remains unclear.

Labcorp Genetics (formerly Invitae), Labcorp
Classification: Uncertain significance for Oligodontia-cancer predisposition syndrome. Last evaluated: 2025-07-07. Review status: criteria provided, single submitter. Criteria: Invitae Variant Classification Sherloc (09022015). Collection method: clinical testing. Allele origin: germline.
Comment: This sequence change replaces lysine, which is basic and polar, with glutamic acid, which is acidic and polar, at codon 330 of the AXIN2 protein (p.Lys330Glu). This variant is present in population databases (rs766607261, gnomAD 0.002%). This variant has not been reported in the literature in individuals affected with AXIN2-related conditions. ClinVar contains an entry for this variant (Variation ID: 533229). Invitae Evidence Modeling of protein sequence and biophysical properties (such as structural, functional, and spatial information, amino acid conservation, physicochemical variation, residue mobility, and thermodynamic stability) indicates that this missense variant is expected to disrupt AXIN2 protein function with a positive predictive value of 80%. In summary, the available evidence is currently insufficient to determine the role of this variant in disease. Therefore, it has been classified as a Variant of Uncertain Significance.